The following is an entry in ClinVar:

ClinVar aggregate classification (germline): Pathogenic (1 of 4 stars; one submission).

Conditions:
Inborn genetic diseases. Identifiers: MedGen C0950123, MeSH D030342.

Submission:

Ambry Genetics
Classification: Pathogenic for Inborn genetic diseases. Last evaluated: 2022-11-10. Review status: criteria provided, single submitter. Criteria: Ambry Variant Classification Scheme 2023. Collection method: clinical testing. Allele origin: germline.
Comment: The c.204_208delGTACA (p.K68Nfs*8) alteration, located in exon 3 (coding exon 2) of the MEF2C gene, consists of a deletion of 5 nucleotides from position 204 to 208, causing a translational frameshift with a predicted alternate stop codon after 8 amino acids. This alteration is expected to result in loss of function by premature protein truncation or nonsense-mediated mRNA decay. This variant was not reported in population-based cohorts in the Genome Aggregation Database (gnomAD). Based on the available evidence, this alteration is classified as pathogenic.

NM_002397.5(MEF2C):c.204_208del (p.Lys68fs)

Gene: MEF2C (myocyte enhancer factor 2C; minus strand). Cytogenetic location: 5q14.3.
Variant type: Deletion.
Coding change: c.204_208del on transcript NM_002397.5 (MANE Select); coding-DNA positions 204 to 208, 5 bases deleted (GTACA; older notation c.204_208delGTACA).
Protein change: p.Lys68fs; shifts the reading frame from lysine 68.
Molecular consequence: frameshift variant.
Genome position (GRCh38, 1-based): chr5:88,804,648-88,804,652, TGTAC deleted on the plus strand (GTACA on the coding strand, the reverse complement: MEF2C is on the minus strand); deleting any 5 consecutive bases within chr5:88,804,648-88,804,653 gives the same sequence; the c. name uses the placement nearest the transcript's 3' end. VCF-style (leftmost placement, unchanged base first): chr5-88804647-GTGTAC-G. GRCh37 (hg19) VCF-style: chr5-88100464-GTGTAC-G.
Other names: c.204_208del, p.Lys68fs (NM_001131005.2, NM_001193347.1, NM_001193348.1 and 29 more transcripts); short protein forms K68fs.
Identifiers: ClinVar variation 2317249 (VCV002317249.2), dbSNP rs2531279207, ClinGen allele CA2580073705.